The following is an entry in ClinVar:

ClinVar aggregate classification (germline): Uncertain significance (1 of 4 stars; one submission).

Submission:

GeneDx
Classification: Uncertain significance. Last evaluated: 2026-07-28. Review status: criteria provided, single submitter. Criteria: GeneDx Variant Classification Process June 2021. Collection method: clinical testing. Allele origin: germline.
Comment: Not observed at significant frequency in large population cohorts (gnomAD); In silico analysis supports that this missense variant has a deleterious effect on protein structure/function; Has not been previously published as pathogenic or benign to our knowledge

NM_000474.4(TWIST1):c.586T>A (p.Trp196Arg)

Genes: TWIST1 (twist family bHLH transcription factor 1; minus strand), LOC129998021 (ATAC-STARR-seq lymphoblastoid active region 25682; plus strand). Cytogenetic location: 7p21.1.
Variant type: single nucleotide variant.
Coding change: c.586T>A on transcript NM_000474.4 (MANE Select); coding-DNA position 586, T replaced by A.
Protein change: p.Trp196Arg; replaces tryptophan 196 with arginine.
Molecular consequence: missense variant. On other transcripts: non-coding transcript variant (1).
Genome position (GRCh38, 1-based): chr7:19,116,736, A>T on the plus strand (T>A on the coding strand, the complement: TWIST1 is on the minus strand). VCF-style: chr7-19116736-A-T. GRCh37 (hg19) VCF-style: chr7-19156359-A-T.
Other names: short protein forms W196R.
Identifiers: ClinVar variation 3373378 (VCV003373378.2).